The following is an entry in ClinVar:

NM_007217.4(PDCD10):c.474+4_474+5insACAA

Gene: PDCD10 (programmed cell death 10; minus strand). Cytogenetic location: 3q26.1.
Variant type: Insertion.
Coding change: c.474+4_474+5insACAA on transcript NM_007217.4 (MANE Select); bases 4 to 5 of the intron after coding-DNA position 474, ACAA inserted.
Molecular consequence: intron variant.
Genome position: GRCh38 VCF-style: chr3-167687610-C-CGTTT. GRCh37 (hg19) VCF-style: chr3-167405398-C-CGTTT.
Other names: c.474+4_474+5insACAA (NM_145860.2, NM_145859.2).
Identifiers: ClinVar variation 2103058 (VCV002103058.4), dbSNP rs2475663691, ClinGen allele CA2580069043.

ClinVar aggregate classification (germline): Uncertain significance (1 of 4 stars; one submission).

Conditions:
Cerebral cavernous malformation 3. Also called: Familial Cerebral Cavernous Malformation 3. Identifiers: Orphanet 221061, MedGen C1864040, MONDO:0011305, OMIM 603285.

Submission:

Labcorp Genetics (formerly Invitae), Labcorp
Classification: Uncertain significance for Cerebral cavernous malformation 3. Last evaluated: 2022-02-24. Review status: criteria provided, single submitter. Criteria: Invitae Variant Classification Sherloc (09022015). Collection method: clinical testing. Allele origin: germline.
Comment: In summary, the available evidence is currently insufficient to determine the role of this variant in disease. Therefore, it has been classified as a Variant of Uncertain Significance. Variants that disrupt the consensus splice site are a relatively common cause of aberrant splicing (PMID: 17576681, 9536098). Algorithms developed to predict the effect of sequence changes on RNA splicing suggest that this variant may disrupt the consensus splice site. This variant has not been reported in the literature in individuals affected with PDCD10-related conditions. This variant is not present in population databases (gnomAD no frequency). This sequence change falls in intron 6 of the PDCD10 gene. It does not directly change the encoded amino acid sequence of the PDCD10 protein. It affects a nucleotide within the consensus splice site.

Literature cited by the submitters: PubMed 17576681; PubMed 9536098.